The following is an entry in ClinVar:

NM_177438.3(DICER1):c.3289G>C (p.Gly1097Arg)

Gene: DICER1 (dicer 1, ribonuclease III; minus strand). Cytogenetic location: 14q32.13.
Variant type: single nucleotide variant.
Coding change: c.3289G>C on transcript NM_177438.3 (MANE Select); coding-DNA position 3289, G replaced by C.
Protein change: p.Gly1097Arg; replaces glycine 1097 with arginine.
Molecular consequence: missense variant. On other transcripts: non-coding transcript variant (4).
Genome position (GRCh38, 1-based): chr14:95,104,107, C>G on the plus strand (G>C on the coding strand, the complement: DICER1 is on the minus strand). VCF-style: chr14-95104107-C-G. GRCh37 (hg19) VCF-style: chr14-95570444-C-G.
Other names: c.3289G>C, p.Gly1097Arg (NM_001195573.1, NM_001271282.3, NM_001291628.2 and 12 more transcripts); c.3007G>C, p.Gly1003Arg (NM_001395686.1); c.2884G>C, p.Gly962Arg (NM_001395687.1, NM_001395688.1, NM_001395689.1 and 2 more transcripts); c.2722G>C, p.Gly908Arg (NM_001395691.1); c.1606G>C, p.Gly536Arg (NM_001395697.1); short protein forms G1003R, G1097R, G908R, G536R, G962R.
Identifiers: ClinVar variation 4826957 (VCV004826957.1).
Genomic context (GRCh38, chr14:95,104,107, plus strand): 5'-CAGCTGAAGAGGAGTTAGAAATTGAGATGAAAGATTTGCTGTCAATAGATTTTTTCCACC[C>G]GAAGTCTAAGTTAGGGTATCTGCAAAGACATTTTTATAACTTTACATCAGATTCTTCAAA-3'
Protein context (NP_803187.1, residues 1087-1107): ADFRYPNLDF[Gly1097Arg]WKKSIDSKSF

ClinVar aggregate classification (germline): Uncertain significance (1 of 4 stars; one submission).

Conditions:
Hereditary cancer-predisposing syndrome. Also called: Neoplastic Syndromes, Hereditary; Tumor predisposition; Hereditary Cancer Syndrome; Hereditary neoplastic syndrome. Identifiers: Orphanet 140162, MedGen C0027672, MeSH D009386, MONDO:0015356.

Submission:

Ambry Genetics
Classification: Uncertain significance for Hereditary cancer-predisposing syndrome. Last evaluated: 2026-02-25. Review status: criteria provided, single submitter. Criteria: Ambry Variant Classification Scheme 2023. Collection method: clinical testing. Allele origin: germline.
Comment: The p.G1097R variant (also known as c.3289G>C), located in coding exon 20 of the DICER1 gene, results from a G to C substitution at nucleotide position 3289. The glycine at codon 1097 is replaced by arginine, an amino acid with dissimilar properties. This amino acid position is highly conserved in available vertebrate species. In addition, this alteration is predicted to be deleterious by in silico analysis. Based on the available evidence, the clinical significance of this variant remains unclear.